The following is an entry in ClinVar:

ClinVar aggregate classification (germline): Uncertain significance (1 of 4 stars; one submission).

Allele frequency attached by ClinVar (database versions not stated): gnomAD exomes below 0.00001; TOPMed below 0.00001; gnomAD 0.00001.
gnomAD v4.1: 2 of 1,613,168 alleles (0.00012%); highest among the groups gnomAD compares: Admixed American, 0.0017%; no homozygotes.

Submission:

Labcorp Genetics (formerly Invitae), Labcorp
Classification: Uncertain significance. Last evaluated: 2023-05-23. Review status: criteria provided, single submitter. Criteria: Invitae Variant Classification Sherloc (09022015). Collection method: clinical testing. Allele origin: germline.
Comment: This sequence change replaces arginine, which is basic and polar, with threonine, which is neutral and polar, at codon 550 of the ATF6 protein (p.Arg550Thr). This variant is present in population databases (no rsID available, gnomAD 0.004%). This variant has not been reported in the literature in individuals affected with ATF6-related conditions. ClinVar contains an entry for this variant (Variation ID: 1365231). Advanced modeling of protein sequence and biophysical properties (such as structural, functional, and spatial information, amino acid conservation, physicochemical variation, residue mobility, and thermodynamic stability) has been performed at Invitae for this missense variant, however the output from this modeling did not meet the statistical confidence thresholds required to predict the impact of this variant on ATF6 protein function. In summary, the available evidence is currently insufficient to determine the role of this variant in disease. Therefore, it has been classified as a Variant of Uncertain Significance.

NM_007348.4(ATF6):c.1649G>C (p.Arg550Thr)

Gene: ATF6 (activating transcription factor 6; plus strand). Cytogenetic location: 1q23.3.
Variant type: single nucleotide variant.
Coding change: c.1649G>C on transcript NM_007348.4 (MANE Select); coding-DNA position 1649, G replaced by C.
Protein change: p.Arg550Thr; replaces arginine 550 with threonine.
Molecular consequence: missense variant.
Genome position (GRCh38, 1-based): chr1:161,863,242, G>C. VCF-style: chr1-161863242-G-C. GRCh37 (hg19) VCF-style: chr1-161833032-G-C.
Other names: short protein forms R550T.
Identifiers: ClinVar variation 1365231 (VCV001365231.6), dbSNP rs963112535, ClinGen allele CA31732588.